The following is an entry in ClinVar:

NM_001853.4(COL9A3):c.1460G>C (p.Gly487Ala)

Genes: COL9A3 (collagen type IX alpha 3 chain; plus strand), LOC126863084 (MED14-independent group 3 enhancer GRCh37_chr20:61467141-61468340; plus strand). Cytogenetic location: 20q13.33.
Variant type: single nucleotide variant.
Coding change: c.1460G>C on transcript NM_001853.4 (MANE Select); coding-DNA position 1460, G replaced by C.
Protein change: p.Gly487Ala; replaces glycine 487 with alanine.
Molecular consequence: missense variant.
Genome position (GRCh38, 1-based): chr20:62,836,245, G>C. VCF-style: chr20-62836245-G-C. GRCh37 (hg19) VCF-style: chr20-61467597-G-C.
Other names: short protein forms G487A.
Identifiers: ClinVar variation 4803145 (VCV004803145.1).
Genomic context (GRCh38, chr20:62,836,245, plus strand): 5'-AGTCTGGCAGTCGAGGGGAGCTGGGCCCCAAAGGCACCCAGGGTCCCAACGGCACCAGCG[G>C]TGTTCAGGGTGTCCCCGGGCCCCCCGGTCCTCTGGGCCTGCAGGGCGTCCCGGGTGTTCC-3'
Protein context (NP_001844.3, residues 477-497): KGTQGPNGTS[Gly487Ala]VQGVPGPPGP

ClinVar aggregate classification (germline): Uncertain significance (1 of 4 stars; one submission).

Submission:

Labcorp Genetics (formerly Invitae), Labcorp
Classification: Uncertain significance. Last evaluated: 2025-05-13. Review status: criteria provided, single submitter. Criteria: Invitae Variant Classification Sherloc (09022015). Collection method: clinical testing. Allele origin: germline.
Comment: This sequence change replaces glycine, which is neutral and non-polar, with alanine, which is neutral and non-polar, at codon 487 of the COL9A3 protein (p.Gly487Ala). This variant is not present in population databases (gnomAD no frequency). This variant has not been reported in the literature in individuals affected with COL9A3-related conditions. Invitae Evidence Modeling of protein sequence and biophysical properties (such as structural, functional, and spatial information, amino acid conservation, physicochemical variation, residue mobility, and thermodynamic stability) indicates that this missense variant is expected to disrupt COL9A3 protein function with a positive predictive value of 95%. In summary, the available evidence is currently insufficient to determine the role of this variant in disease. Therefore, it has been classified as a Variant of Uncertain Significance.